The following is an entry in ClinVar:

NM_017802.4(DNAAF5):c.1576A>C (p.Ile526Leu)

Gene: DNAAF5 (dynein axonemal assembly factor 5; plus strand). Cytogenetic location: 7p22.3.
Variant type: single nucleotide variant.
Coding change: c.1576A>C on transcript NM_017802.4 (MANE Select); coding-DNA position 1576, A replaced by C.
Protein change: p.Ile526Leu; replaces isoleucine 526 with leucine.
Molecular consequence: missense variant. On other transcripts: non-coding transcript variant (1).
Genome position (GRCh38, 1-based): chr7:761,858, A>C. VCF-style: chr7-761858-A-C. GRCh37 (hg19) VCF-style: chr7-801495-A-C.
Other names: short protein forms I526L.
Identifiers: ClinVar variation 850805 (VCV000850805.1), dbSNP rs778680655, ClinGen allele CA4110784.

ClinVar aggregate classification (germline): Uncertain significance (1 of 4 stars; one submission).

Conditions:
Primary ciliary dyskinesia. Also called: Ciliary dyskinesia. Identifiers: Orphanet 244, MedGen C0008780, MONDO:0016575, HP:0012265.

Submission:

Labcorp Genetics (formerly Invitae), Labcorp
Classification: Uncertain significance for Primary ciliary dyskinesia. Last evaluated: 2019-03-21. Review status: criteria provided, single submitter. Criteria: Invitae Variant Classification Sherloc (09022015). Collection method: clinical testing. Allele origin: germline.
Comment: This sequence change replaces isoleucine with leucine at codon 526 of the DNAAF5 protein (p.Ile526Leu). The isoleucine residue is moderately conserved and there is a small physicochemical difference between isoleucine and leucine. This variant is present in population databases (rs778680655, ExAC 0.04%). This variant has not been reported in the literature in individuals with DNAAF5-related conditions. Algorithms developed to predict the effect of missense changes on protein structure and function are either unavailable or do not agree on the potential impact of this missense change (SIFT: "Deleterious"; PolyPhen-2: "Benign"; Align-GVGD: "Class C0"). In summary, the available evidence is currently insufficient to determine the role of this variant in disease. Therefore, it has been classified as a Variant of Uncertain Significance.